The following is an entry in ClinVar:

ClinVar aggregate classification (germline): Uncertain significance (1 of 4 stars; one submission).

Conditions:
Cowden syndrome 6 (CWS6). Identifiers: Orphanet 201, MedGen C3554519, MONDO:0014048, OMIM 615109.

gnomAD v4.1: 1 of 1,609,514 alleles (0.000062%); highest among the groups gnomAD compares: Non-Finnish European, 0.000085%; no homozygotes.

Submission:

Labcorp Genetics (formerly Invitae), Labcorp
Classification: Uncertain significance for Cowden syndrome 6. Last evaluated: 2025-02-18. Review status: criteria provided, single submitter. Criteria: Invitae Variant Classification Sherloc (09022015). Collection method: clinical testing. Allele origin: germline.
Comment: This sequence change replaces lysine, which is basic and polar, with threonine, which is neutral and polar, at codon 389 of the AKT1 protein (p.Lys389Thr). This variant is not present in population databases (gnomAD no frequency). This variant has not been reported in the literature in individuals affected with AKT1-related conditions. ClinVar contains an entry for this variant (Variation ID: 1405222). An algorithm developed to predict the effect of missense changes on protein structure and function outputs the following: PolyPhen-2: "Benign". The threonine amino acid residue is found in multiple mammalian species, which suggests that this missense change does not adversely affect protein function. In summary, the available evidence is currently insufficient to determine the role of this variant in disease. Therefore, it has been classified as a Variant of Uncertain Significance.

NM_001382430.1(AKT1):c.1166A>C (p.Lys389Thr)

Gene: AKT1 (AKT serine/threonine kinase 1; minus strand). Cytogenetic location: 14q32.33.
Variant type: single nucleotide variant.
Coding change: c.1166A>C on transcript NM_001382430.1 (MANE Select); coding-DNA position 1166, A replaced by C.
Protein change: p.Lys389Thr; replaces lysine 389 with threonine.
Molecular consequence: missense variant.
Genome position (GRCh38, 1-based): chr14:104,772,884, T>G on the plus strand (A>C on the coding strand, the complement: AKT1 is on the minus strand). VCF-style: chr14-104772884-T-G. GRCh37 (hg19) VCF-style: chr14-105239221-T-G.
Other names: c.1166A>C, p.Lys389Thr (NM_001014431.2, NM_001014432.2, NM_001382431.1 and 3 more transcripts); short protein forms K389T.
Identifiers: ClinVar variation 1405222 (VCV001405222.6), dbSNP rs1390801321, ClinGen allele CA391216525.